The following is an entry in ClinVar:

NM_013450.4(BAZ2B):c.1663G>A (p.Ala555Thr)

Gene: BAZ2B (bromodomain adjacent to zinc finger domain 2B; minus strand). Cytogenetic location: 2q24.2.
Variant type: single nucleotide variant.
Coding change: c.1663G>A on transcript NM_013450.4 (MANE Select); coding-DNA position 1663, G replaced by A.
Protein change: p.Ala555Thr; replaces alanine 555 with threonine.
Molecular consequence: missense variant.
Genome position (GRCh38, 1-based): chr2:159,432,994, C>T on the plus strand (G>A on the coding strand, the complement: BAZ2B is on the minus strand). VCF-style: chr2-159432994-C-T. GRCh37 (hg19) VCF-style: chr2-160289505-C-T.
Other names: c.1657G>A, p.Ala553Thr (NM_001289975.1); c.1474G>A, p.Ala492Thr (NM_001329857.2); c.1663G>A, p.Ala555Thr (NM_001329858.2); short protein forms A492T, A553T, A555T.
Identifiers: ClinVar variation 4281829 (VCV004281829.1).
Genomic context (GRCh38, chr2:159,432,994, plus strand): 5'-CTGGGTTTACATTATTGCTAACTGCTTTTTCCTTCCCTTGACTATGCAGGATGGGAGAGG[C>T]AGAGGGCATTACAGGTGTCTGATTGCCAGGGGTTCTTCTCCCACTTGTACTCAGATTTAC-3'
Protein context (NP_038478.2, residues 545-565): PGNQTPVMPS[Ala555Thr]SPILHSQGKE

ClinVar aggregate classification (germline): Uncertain significance (1 of 4 stars; one submission).

gnomAD v4.1: 8 of 1,614,160 alleles (0.0005%); highest among the groups gnomAD compares: Non-Finnish European, 0.00068%; no homozygotes.

Submission:

GeneDx
Classification: Uncertain significance. Last evaluated: 2025-04-06. Review status: criteria provided, single submitter. Criteria: GeneDx Variant Classification Process June 2021. Collection method: clinical testing. Allele origin: germline. Affected: yes.
Comment: Not observed at significant frequency in large population cohorts (gnomAD); In silico analysis indicates that this missense variant does not alter protein structure/function; Has not been previously published as pathogenic or benign to our knowledge